The following is an entry in ClinVar:

NM_001035.3(RYR2):c.12022AAC[1] (p.Asn4009del)

Gene: RYR2 (ryanodine receptor 2; plus strand). Cytogenetic location: 1q43.
Variant type: Microsatellite.
Coding change: c.12022AAC[1] on transcript NM_001035.3 (MANE Select); one copy of the 3-base unit AAC starting at c.12022; the reference has two copies in a row; one copy, 3 bases deleted.
Protein change: p.Asn4009del; deletes asparagine 4009.
Molecular consequence: inframe deletion.
Genome position (GRCh38, 1-based): chr1:237,783,737-237,783,739, AAC deleted; deleting any 3 consecutive bases within chr1:237,783,733-237,783,739 gives the same sequence; the position shown is the placement nearest the transcript's 3' end. VCF-style (leftmost placement, unchanged base first): chr1-237783732-CCAA-C. GRCh37 (hg19) VCF-style: chr1-237947032-CCAA-C.
Other names: short protein forms N4009del.
Identifiers: ClinVar variation 664936 (VCV000664936.10), dbSNP rs1573931958, ClinGen allele CA915942084.
Genomic context (GRCh38, chr1:237,783,732, plus strand): 5'-CAGGTAATGTTGTTAATGGAACGATTGGCAAACAGATGGTGGATATGCTTGTGGAATCTT[CCAA>C]CAACGTGGAGATGATTCTCAAATTTTTTGACATGTTCTTAAAACTAAAGGATTTGACGTC-3'

ClinVar aggregate classification (germline): Uncertain significance (1 of 4 stars; one submission).

Conditions:
Catecholaminergic polymorphic ventricular tachycardia 1. Also called: VENTRICULAR TACHYCARDIA, CATECHOLAMINERGIC POLYMORPHIC, 1, WITH OR WITHOUT ATRIAL DYSFUNCTION AND/OR DILATED CARDIOMYOPATHY; VENTRICULAR TACHYCARDIA, STRESS-INDUCED POLYMORPHIC 1; RYR2-Related Catecholaminergic Polymorphic Ventricular Tachycardia. Identifiers: Orphanet 3286, MedGen C1631597, MONDO:0011484, OMIM 604772.

Submission:

Labcorp Genetics (formerly Invitae), Labcorp
Classification: Uncertain significance for Catecholaminergic polymorphic ventricular tachycardia 1. Last evaluated: 2018-08-04. Review status: criteria provided, single submitter. Criteria: Invitae Variant Classification Sherloc (09022015). Collection method: clinical testing. Allele origin: germline.
Comment: This variant, c.12025_12027delAAC, results in the deletion of 1 amino acid of the RYR2 protein (p.Asn4009del), but otherwise preserves the integrity of the reading frame. This variant is not present in population databases (ExAC no frequency). This variant has not been reported in the literature in individuals with RYR2-related disease. Experimental studies and prediction algorithms are not available for this variant, and the functional significance of the deleted amino acid is currently unknown. In summary, the available evidence is currently insufficient to determine the role of this variant in disease. Therefore, it has been classified as a Variant of Uncertain Significance.